The following is an entry in ClinVar:

ClinVar aggregate classification (germline): Likely benign. Review status: criteria provided, multiple submitters, no conflicts (2 of 4 stars). 7 submissions from 7 submitters: Likely benign (7). Last evaluated 2025-12-29.

Conditions:
Cardiomyopathy (CMYO). Also called: Cardiomyopathies. Identifiers: Orphanet 167848, MedGen C0878544, MONDO:0004994, HP:0001638. Inheritance: Various modes of inheritance.
Arrhythmogenic right ventricular dysplasia 9 (ARVD9). Also called: Arrhythmogenic Right Ventricular Dysplasia/Cardiomyopathy 9; ARRHYTHMOGENIC RIGHT VENTRICULAR DYSPLASIA, FAMILIAL, 9. Identifiers: MedGen C1836906, MONDO:0012180, OMIM 609040.
Arrhythmogenic right ventricular cardiomyopathy (ARVD). Also called: Cardiomyopathy, ARVC; Arrhythmogenic right ventricular dysplasia; Arrhythmogenic cardiomyopathy; Arrhythmogenic Right Ventricular Cardiomyopathy (ARVC). Identifiers: Orphanet 247, MedGen C0349788, MeSH D019571, MONDO:0016587. Disease mechanism: loss of function. Inheritance: Various modes of inheritance.

Allele frequency attached by ClinVar (database versions not stated): gnomAD 0.00001; TOPMed 0.00001; ExAC 0.00002; gnomAD exomes 0.00002 and 0.00007; 1000 Genomes Project 30x 0.00016; 1000 Genomes Project 0.00020.
gnomAD v4.1: 97 of 1,605,896 alleles (0.006%); highest among the groups gnomAD compares: Non-Finnish European, 0.008%; no homozygotes.

Submissions (7):

Labcorp Genetics (formerly Invitae), Labcorp
Classification: Likely benign for Arrhythmogenic right ventricular dysplasia 9. Last evaluated: 2025-12-29. Review status: criteria provided, single submitter. Criteria: Invitae Variant Classification Sherloc (09022015). Collection method: clinical testing. Allele origin: germline.

Women's Health and Genetics/Laboratory Corporation of America, LabCorp
Classification: Likely benign. Last evaluated: 2025-11-04. Review status: criteria provided, single submitter. Criteria: LabCorp Variant Classification Summary - May 2015. Collection method: clinical testing. Allele origin: germline.

All of Us Research Program, National Institutes of Health
Classification: Likely benign for Arrhythmogenic right ventricular cardiomyopathy. Last evaluated: 2023-12-13. Review status: criteria provided, single submitter. Criteria: ACMG Guidelines, 2015. Collection method: clinical testing. Allele origin: germline. Inheritance: Autosomal dominant inheritance. Observed: 9 variant alleles, 9 heterozygotes.
Comment: This study involves interpretation of variants in research participants for the purpose of population health screening. Participant phenotype was not available at the time of variant classification. Additional details can be found in publication PMID: 35346344, PMCID: PMC8962531

Blueprint Genetics
Classification: Likely benign. Last evaluated: 2023-01-23. Review status: criteria provided, single submitter. Criteria: ACMG Guidelines, 2015. Collection method: clinical testing. Allele origin: germline.

Color Diagnostics, LLC DBA Color Health
Classification: Likely benign for Cardiomyopathy. Last evaluated: 2018-11-10. Review status: criteria provided, single submitter. Criteria: ACMG Guidelines, 2015. Collection method: clinical testing. Allele origin: germline.

GeneDx
Classification: Likely benign. Last evaluated: 2018-08-24. Review status: criteria provided, single submitter. Criteria: GeneDx Variant Classification Process June 2021. Collection method: clinical testing. Allele origin: germline. Affected: yes.

Breakthrough Genomics
Classification: Likely benign. Review status: criteria provided, single submitter. Criteria: ACMG Guidelines, 2015. Collection method: not provided. Allele origin: germline. Inheritance: Autosomal dominant inheritance. Affected: yes.

NM_001005242.3(PKP2):c.1171-13G>A

Gene: PKP2 (plakophilin 2; minus strand). Cytogenetic location: 12p11.21.
Variant type: single nucleotide variant.
Coding change: c.1171-13G>A on transcript NM_001005242.3 (MANE Select); 13 bases into the intron before coding-DNA position 1171, G replaced by A.
Molecular consequence: intron variant.
Genome position (GRCh38, 1-based): chr12:32,850,986, C>T on the plus strand (G>A on the coding strand, the complement: PKP2 is on the minus strand). VCF-style: chr12-32850986-C-T. GRCh37 (hg19) VCF-style: chr12-33003920-C-T.
Other names: c.1171-13G>A (NM_004572.4).
Identifiers: ClinVar variation 927279 (VCV000927279.15), dbSNP rs200137461, ClinGen allele CA027239.